The following is an entry in ClinVar:

NM_152743.4(BRAT1):c.1817G>T (p.Gly606Val)

Gene: BRAT1 (BRCA1 associated ATM activator 1; minus strand). Cytogenetic location: 7p22.3.
Variant type: single nucleotide variant.
Coding change: c.1817G>T on transcript NM_152743.4 (MANE Select); coding-DNA position 1817, G replaced by T.
Protein change: p.Gly606Val; replaces glycine 606 with valine.
Molecular consequence: missense variant. On other transcripts: non-coding transcript variant (1).
Genome position (GRCh38, 1-based): chr7:2,538,718, C>A on the plus strand (G>T on the coding strand, the complement: BRAT1 is on the minus strand). VCF-style: chr7-2538718-C-A. GRCh37 (hg19) VCF-style: chr7-2578352-C-A.
Other names: c.1997G>T, p.Gly666Val (NM_001350626.2); c.1292G>T, p.Gly431Val (NM_001350627.2); c.1817G>T (NM_152743.3); short protein forms G431V, G606V, G666V.
Identifiers: ClinVar variation 1020646 (VCV001020646.5), dbSNP rs766450980, ClinGen allele CA4127548.
Genomic context (GRCh38, chr7:2,538,718, plus strand): 5'-TCGGCGTGGCCGTCCCGCAGCCACTCAGTGAAGACTTGCATGACCGCCCGCCGTGGGAAG[C>A]CCTCCGAGTCTACGGAGAGGATGTGCAGGAGCTCCAGGAACAGGCTCTGGGGGACAGGGA-3'
Protein context (NP_689956.2, residues 596-616): LLHILSVDSE[Gly606Val]FPRRAVMQVF

ClinVar aggregate classification (germline): Uncertain significance. Review status: criteria provided, multiple submitters, no conflicts (2 of 4 stars). 2 submissions from 2 submitters: Uncertain significance (2). Last evaluated 2025-08-24.

Conditions:
Inborn genetic diseases. Identifiers: MedGen C0950123, MeSH D030342.
Neonatal-onset encephalopathy with rigidity and seizures. Also called: Lethal neonatal spasticity-epileptic encephalopathy syndrome. Identifiers: Orphanet 435845, MedGen C3281029, MONDO:0013784, OMIM 614498.

Allele frequency attached by ClinVar (database versions not stated): gnomAD exomes 0.00002 and 0.00004; ExAC 0.00003; TOPMed 0.00004; gnomAD 0.00009.
gnomAD v4.1: 24 of 1,598,328 alleles (0.0015%); highest among the groups gnomAD compares: Admixed American, 0.035%; no homozygotes.

Submissions (2):

Ambry Genetics
Classification: Uncertain significance for Inborn genetic diseases. Last evaluated: 2025-08-24. Review status: criteria provided, single submitter. Criteria: Ambry Variant Classification Scheme 2023. Collection method: clinical testing. Allele origin: germline.

Labcorp Genetics (formerly Invitae), Labcorp
Classification: Uncertain significance for Neonatal-onset encephalopathy with rigidity and seizures. Last evaluated: 2022-07-15. Review status: criteria provided, single submitter. Criteria: Invitae Variant Classification Sherloc (09022015). Collection method: clinical testing. Allele origin: germline.
Comment: This sequence change replaces glycine, which is neutral and non-polar, with valine, which is neutral and non-polar, at codon 606 of the BRAT1 protein (p.Gly606Val). This variant is present in population databases (rs766450980, gnomAD 0.03%). This variant has not been reported in the literature in individuals affected with BRAT1-related conditions. ClinVar contains an entry for this variant (Variation ID: 1020646). Algorithms developed to predict the effect of missense changes on protein structure and function are either unavailable or do not agree on the potential impact of this missense change (SIFT: "Deleterious"; PolyPhen-2: "Possibly Damaging"; Align-GVGD: "Class C15"). In summary, the available evidence is currently insufficient to determine the role of this variant in disease. Therefore, it has been classified as a Variant of Uncertain Significance.